The following is an entry in ClinVar:

ClinVar aggregate classification (germline): Uncertain significance. Review status: criteria provided, multiple submitters, no conflicts (2 of 4 stars). 3 submissions from 3 submitters: Uncertain significance (2). 1 of the submissions does not count toward it. Last evaluated 2024-12-11.

Conditions:
Charcot-Marie-Tooth disease type 4. Also called: Charcot-Marie-Tooth disease, type IV; Charcot-Marie-Tooth, Type 4. Identifiers: Orphanet 64749, MedGen C4082197, MONDO:0018995.
FIG4-related disorder. Also called: FIG4-related condition; FIG4-related disorders.

Allele frequency attached by ClinVar (database versions not stated): TOPMed below 0.00001; ExAC 0.00001.
gnomAD v4.1: 12 of 1,613,738 alleles (0.00074%); highest among the groups gnomAD compares: Non-Finnish European, 0.00093%; no homozygotes.

Submissions (3):

Women's Health and Genetics/Laboratory Corporation of America, LabCorp
Classification: Uncertain significance. Last evaluated: 2024-12-11. Review status: criteria provided, single submitter. Criteria: LabCorp Variant Classification Summary - May 2015. Collection method: clinical testing. Allele origin: germline.
Comment: Variant summary: FIG4 c.175A>G (p.Thr59Ala) results in a non-conservative amino acid change in the encoded protein sequence. Three of five in-silico tools predict a benign effect of the variant on protein function. The variant allele was found at a frequency of 1.2e-05 in 251438 control chromosomes. The available data on variant occurrences in the general population are insufficient to allow any conclusion about variant significance. To our knowledge, no occurrence of c.175A>G in individuals affected with Charcot-Marie-Tooth disease type 4J and no experimental evidence demonstrating its impact on protein function have been reported. ClinVar contains an entry for this variant (Variation ID: 850222). Based on the evidence outlined above, the variant was classified as uncertain significance.

Labcorp Genetics (formerly Invitae), Labcorp
Classification: Uncertain significance for Charcot-Marie-Tooth disease type 4. Last evaluated: 2024-10-03. Review status: criteria provided, single submitter. Criteria: Invitae Variant Classification Sherloc (09022015). Collection method: clinical testing. Allele origin: germline.
Comment: This sequence change replaces threonine, which is neutral and polar, with alanine, which is neutral and non-polar, at codon 59 of the FIG4 protein (p.Thr59Ala). This variant is present in population databases (rs748869342, gnomAD 0.003%). This variant has not been reported in the literature in individuals affected with FIG4-related conditions. ClinVar contains an entry for this variant (Variation ID: 850222). An algorithm developed to predict the effect of missense changes on protein structure and function (PolyPhen-2) suggests that this variant is likely to be tolerated. In summary, the available evidence is currently insufficient to determine the role of this variant in disease. Therefore, it has been classified as a Variant of Uncertain Significance.

PreventionGenetics, part of Exact Sciences
Classification: Uncertain significance for FIG4-related condition. Last evaluated: 2024-03-27. Review status: no assertion criteria provided. Collection method: clinical testing. Allele origin: germline. Not counted in ClinVar's aggregate classification.
Comment: The FIG4 c.175A>G variant is predicted to result in the amino acid substitution p.Thr59Ala. To our knowledge, this variant has not been reported in the literature. This variant is reported in 0.0026% of alleles in individuals of European (Non-Finnish) descent in gnomAD. At this time, the clinical significance of this variant is uncertain due to the absence of conclusive functional and genetic evidence.

NM_014845.6(FIG4):c.175A>G (p.Thr59Ala)

Gene: FIG4 (FIG4 phosphoinositide 5-phosphatase; plus strand). Cytogenetic location: 6q21.
Variant type: single nucleotide variant.
Coding change: c.175A>G on transcript NM_014845.6 (MANE Select); coding-DNA position 175, A replaced by G.
Protein change: p.Thr59Ala; replaces threonine 59 with alanine.
Molecular consequence: missense variant.
Genome position (GRCh38, 1-based): chr6:109,716,454, A>G. VCF-style: chr6-109716454-A-G. GRCh37 (hg19) VCF-style: chr6-110037657-A-G.
Other names: short protein forms T59A.
Identifiers: ClinVar variation 850222 (VCV000850222.9), dbSNP rs748869342, ClinGen allele CA3955705.